The following is an entry in ClinVar:

NM_001273.5(CHD4):c.1799A>G (p.Asn600Ser)

Gene: CHD4 (chromodomain helicase DNA binding protein 4; minus strand). Cytogenetic location: 12p13.31.
Variant type: single nucleotide variant.
Coding change: c.1799A>G on transcript NM_001273.5 (MANE Select); coding-DNA position 1799, A replaced by G.
Protein change: p.Asn600Ser; replaces asparagine 600 with serine.
Molecular consequence: missense variant.
Genome position (GRCh38, 1-based): chr12:6,597,987, T>C on the plus strand (A>G on the coding strand, the complement: CHD4 is on the minus strand). VCF-style: chr12-6597987-T-C. GRCh37 (hg19) VCF-style: chr12-6707153-T-C.
Other names: c.1778A>G, p.Asn593Ser (NM_001297553.2); c.1760A>G, p.Asn587Ser (NM_001363606.2); short protein forms N587S, N593S, N600S.
Identifiers: ClinVar variation 4885755 (VCV004885755.2).
Genomic context (GRCh38, chr12:6,597,987, plus strand): 5'-TCGGGTTTTATCCCATAGCGATAGAAGCGTTCCTCCATCTCTGCAAATTTAGGGTCCTTG[T>C]TCTTTCGCTTTCGGCTTTTCTCTTCATCACCACCAAAGTCCCCAGAAGGTGGCTCATCCA-3'
Protein context (NP_001264.2, residues 590-610): GDEEKSRKRK[Asn600Ser]KDPKFAEMEE

ClinVar aggregate classification (germline): Uncertain significance (1 of 4 stars; one submission).

gnomAD v4.1: 1 of 1,614,226 alleles (0.000062%); highest among the groups gnomAD compares: Admixed American, 0.0017%; no homozygotes.

Submission:

Dasa
Classification: Uncertain significance. Last evaluated: 2026-04-15. Review status: criteria provided, single submitter. Criteria: DASA Assertion Criteria. Collection method: clinical testing. Allele origin: germline.
Comment: NM_001273.5(CHD4):c.1799A>G (p.Asn600Ser) is a missense variant that results in the substitution of asparagine with serine. This variant is rare in population databases. The currently available literature and clinical evidence are not sufficient to establish a definitive association between this variant and the reported condition. Therefore, this variant is classified as a variant of uncertain significance.